The following is an entry in ClinVar:

NM_133261.3(GIPC3):c.883G>A (p.Glu295Lys)

Gene: GIPC3 (GIPC PDZ domain containing family member 3; plus strand). Cytogenetic location: 19p13.3.
Variant type: single nucleotide variant.
Coding change: c.883G>A on transcript NM_133261.3 (MANE Select); coding-DNA position 883, G replaced by A.
Protein change: p.Glu295Lys; replaces glutamic acid 295 with lysine.
Molecular consequence: missense variant.
Genome position (GRCh38, 1-based): chr19:3,590,134, G>A. VCF-style: chr19-3590134-G-A. GRCh37 (hg19) VCF-style: chr19-3590132-G-A.
Other names: short protein forms E295K.
Identifiers: ClinVar variation 504573 (VCV000504573.6), dbSNP rs201853780, ClinGen allele CA9080626.

ClinVar aggregate classification (germline): Uncertain significance. Review status: criteria provided, multiple submitters, no conflicts (2 of 4 stars). 3 submissions from 3 submitters: Uncertain significance (3). Last evaluated 2025-05-21.

Allele frequency attached by ClinVar (database versions not stated): TOPMed 0.00010; ESP Exome Variant Server 0.00015; 1000 Genomes Project 30x 0.00016; gnomAD 0.00016; gnomAD exomes 0.00019; 1000 Genomes Project 0.00020; ExAC 0.00022.

Submissions (3):

GeneDx
Classification: Uncertain significance. Last evaluated: 2025-05-21. Review status: criteria provided, single submitter. Criteria: GeneDx Variant Classification Process June 2021. Collection method: clinical testing. Allele origin: germline. Affected: yes.
Comment: In silico analysis supports that this missense variant has a deleterious effect on protein structure/function; Has not been previously published as pathogenic or benign to our knowledge

Blueprint Genetics
Classification: Uncertain significance. Last evaluated: 2024-10-14. Review status: criteria provided, single submitter. Criteria: ACMG Guidelines, 2015. Collection method: clinical testing. Allele origin: germline.

Laboratory for Molecular Medicine, Mass General Brigham Personalized Medicine
Classification: Uncertain significance. Last evaluated: 2016-05-13. Review status: criteria provided, single submitter. Criteria: LMM Criteria. Collection method: clinical testing. Allele origin: germline. Observed: 1 variant allele.
Comment: The p.Glu295Lys variant in GIPC3 has not been previously reported in individuals with hearing loss, but has been identified in 17/49076 of European chromosomes by the Exome Aggregation Consortium (ExAC; dbSNP rs201853780). Although this variant has been seen in the general population, it s frequency is not high enough to rule out a pathogenic role. Computational pred iction tools and conservation analysis do not provide strong support for or agai nst an impact to the protein. In summary, the clinical significance of the p.Glu 295Lys variant is uncertain.